The following is an entry in ClinVar:

ClinVar aggregate classification (germline): Conflicting classifications of pathogenicity. Review status: criteria provided, conflicting classifications (1 of 4 stars). 3 submissions from 3 submitters: Likely pathogenic (1); Uncertain significance (1). 1 of the submissions does not count toward it. Last evaluated 2023-11-18.

Conditions:
Neuronal ceroid lipofuscinosis 1 (CLN1). Also called: CEROID LIPOFUSCINOSIS, NEURONAL, 1, VARIABLE AGE AT ONSET; PPT1-Related Neuronal Ceroid-Lipofuscinosis. Identifiers: Orphanet 228329, MedGen C1850451, MONDO:0009744, OMIM 256730.

Allele frequency attached by ClinVar (database versions not stated): gnomAD exomes below 0.00001; ExAC 0.00001.

Submissions (3):

Labcorp Genetics (formerly Invitae), Labcorp
Classification: Likely pathogenic for Neuronal ceroid lipofuscinosis 1. Last evaluated: 2023-11-18. Review status: criteria provided, single submitter. Criteria: Invitae Variant Classification Sherloc (09022015). Collection method: clinical testing. Allele origin: germline.
Comment: This sequence change creates a premature translational stop signal (p.Trp296*) in the PPT1 gene. While this is not anticipated to result in nonsense mediated decay, it is expected to disrupt the last 11 amino acid(s) of the PPT1 protein. This variant is present in population databases (rs386833670, gnomAD 0.0009%). This premature translational stop signal has been observed in individual(s) with neuronal ceroid lipofuscinosis (PMID: 9664077). ClinVar contains an entry for this variant (Variation ID: 56219). In summary, the currently available evidence indicates that the variant is pathogenic, but additional data are needed to prove that conclusively. Therefore, this variant has been classified as Likely Pathogenic.

GeneDx
Classification: Uncertain significance. Last evaluated: 2021-02-18. Review status: criteria provided, single submitter. Criteria: GeneDx Variant Classification Process June 2021. Collection method: clinical testing. Allele origin: germline. Affected: yes.
Comment: Not observed in large population cohorts (Lek et al., 2016); Nonsense variant predicted to result in protein truncation as the last 11 amino acids are lost, although loss-of-function variants have not been reported downstream of this position in the protein; Reported in a patient with late-infantile NCL who harbored a second variant in PPT1; however, segregation analysis to determine phase was not provided (Das et al., 1998); Reported in a patient with late-infantile NCL who had reduced PPT protein level who harbored a second variant in PPT1; however, segregation analysis to determine phase of the variants was not provided (Das et al., 2001); This variant is associated with the following publications: (PMID: 8004106, 14997939, 12125808, 15965709, 9664077, 11440996, 10649502, 11332767, 11073228)

Juha Muilu Group; Institute for Molecular Medicine Finland (FIMM)
Classification: Likely pathogenic for Ceroid lipofuscinosis neuronal 1. Review status: no assertion criteria provided. Collection method: not provided. Allele origin: unknown. Not counted in ClinVar's aggregate classification.
Comment: FinDis database variant: This variant was not found or characterized by our laboratory, data were collected from public sources: see reference
ClinVar note: Converted during submission from probable-pathogenic to Likely pathogenic.

Literature cited by the submitters: PubMed 9664077 (cited by Labcorp Genetics (formerly Invitae), Labcorp).

NM_000310.4(PPT1):c.888G>A (p.Trp296Ter)

Gene: PPT1 (palmitoyl-protein thioesterase 1; minus strand). Cytogenetic location: 1p34.2.
Variant type: single nucleotide variant.
Coding change: c.888G>A on transcript NM_000310.4 (MANE Select); coding-DNA position 888, G replaced by A.
Protein change: p.Trp296Ter; replaces tryptophan 296 with a stop codon.
Molecular consequence: nonsense.
Genome position (GRCh38, 1-based): chr1:40,074,094, C>T on the plus strand (G>A on the coding strand, the complement: PPT1 is on the minus strand). VCF-style: chr1-40074094-C-T. GRCh37 (hg19) VCF-style: chr1-40539766-C-T.
Other names: c.579G>A, p.Trp193Ter (NM_001142604.2); c.816G>A, p.Trp272Ter (NM_001363695.2); short protein forms W193*, W296*, W272*.
Identifiers: ClinVar variation 56219 (VCV000056219.7), dbSNP rs386833670, ClinGen allele CA263556.